The following is an entry in ClinVar:

NM_007294.4(BRCA1):c.196_204delinsGACATAAGGTATAT (p.Asn66fs)

Gene: BRCA1 (BRCA1 DNA repair associated; minus strand). Cytogenetic location: 17q21.31.
Variant type: Indel.
Coding change: c.196_204delinsGACATAAGGTATAT on transcript NM_007294.4 (MANE Select); coding-DNA positions 196 to 204, AATGATATA replaced by GACATAAGGTATAT.
Protein change: p.Asn66fs; shifts the reading frame from asparagine 66.
Molecular consequence: frameshift variant.
Genome position (GRCh38, 1-based): chr17:43,106,464-43,106,472, TATATCATT replaced by ATATACCTTATGTC on the plus strand (AATGATATA replaced by GACATAAGGTATAT on the coding strand, the reverse complement: BRCA1 is on the minus strand). VCF-style: chr17-43106464-TATATCATT-ATATACCTTATGTC. GRCh37 (hg19) VCF-style: chr17-41258481-TATATCATT-ATATACCTTATGTC.
Other names: c.196_204delAATGATATAinsGACATAAGGTATAT, p.Asn66Aspfs (NM_001407581.1, NM_001407582.1, NM_001407583.1 and 166 more transcripts); c.55_63delAATGATATAinsGACATAAGGTATAT, p.Asn19Aspfs (NM_001407692.1, NM_001407694.1, NM_001407695.1 and 98 more transcripts); c.55_63delinsGACATAAGGTATAT, p.Asn19fs (NM_007297.4); c.196_204delinsGACATAAGGTATAT, p.Asn66fs (NM_007299.4, NM_007300.4); short protein forms N19fs, N66fs.
Identifiers: ClinVar variation 1783414 (VCV001783414.2), dbSNP rs2552258074, ClinGen allele CA2580093828.

ClinVar aggregate classification (germline): Pathogenic (1 of 4 stars; one submission).

Conditions:
Hereditary cancer-predisposing syndrome. Also called: Neoplastic Syndromes, Hereditary; Tumor predisposition; Hereditary Cancer Syndrome; Hereditary neoplastic syndrome. Identifiers: Orphanet 140162, MedGen C0027672, MeSH D009386, MONDO:0015356.

Submission:

Ambry Genetics
Classification: Pathogenic for Hereditary cancer-predisposing syndrome. Last evaluated: 2023-10-12. Review status: criteria provided, single submitter. Criteria: Ambry Variant Classification Scheme 2023. Collection method: clinical testing. Allele origin: germline.
Comment: The c.196_204delAATGATATAins14 pathogenic mutation, located in coding exon 3 of the BRCA1 gene, results from the deletion of 9 nucleotides (AATGATATA) and insertion of 14 nucleotides (GACATAAGGTATAT) causing a translational frameshift with a predicted alternate stop codon (p.N66Dfs*24). This alteration is expected to result in loss of function by premature protein truncation or nonsense-mediated mRNA decay. As such, this alteration is interpreted as a disease-causing mutation.